The following is an entry in ClinVar:

ClinVar aggregate classification (germline): Conflicting classifications of pathogenicity. Review status: criteria provided, conflicting classifications (1 of 4 stars). 4 submissions from 4 submitters: Uncertain significance (1); Benign (1); Likely benign (2). Last evaluated 2025-11-17.

Conditions:
Hereditary cancer-predisposing syndrome. Also called: Neoplastic Syndromes, Hereditary; Hereditary neoplastic syndrome; Tumor predisposition; Hereditary Cancer Syndrome. Identifiers: Orphanet 140162, MedGen C0027672, MeSH D009386, MONDO:0015356.
Tuberous sclerosis syndrome (TSC). Also called: Tuberous Sclerosis Complex; Tuberous sclerosis. Identifiers: Orphanet 805, MedGen C0041341, MONDO:0001734.
Tuberous sclerosis 2 (TSC2). Identifiers: Orphanet 805, MedGen C1860707, MONDO:0013199, OMIM 613254.

Allele frequency attached by ClinVar (database versions not stated): gnomAD exomes below 0.00001; ExAC 0.00001.
gnomAD v4.1: 1 of 1,612,436 alleles (0.000062%); highest among the groups gnomAD compares: South Asian, 0.0011%; no homozygotes.

Submissions (4):

Labcorp Genetics (formerly Invitae), Labcorp
Classification: Likely benign for Tuberous sclerosis 2. Last evaluated: 2025-11-17. Review status: criteria provided, single submitter. Criteria: Invitae Variant Classification Sherloc (09022015). Collection method: clinical testing. Allele origin: germline.

Myriad Genetics, Inc.
Classification: Benign for Tuberous sclerosis 2. Last evaluated: 2025-05-20. Review status: criteria provided, single submitter. Criteria: Myriad Autosomal Dominant, Autosomal Recessive and X-Linked Classification Criteria (2023). Collection method: clinical testing. Allele origin: unknown.
Comment: This variant is considered benign. This variant is a silent/synonymous amino acid change and it is not expected to impact splicing.

All of Us Research Program, National Institutes of Health
Classification: Uncertain significance for Tuberous sclerosis syndrome. Last evaluated: 2023-02-24. Review status: criteria provided, single submitter. Criteria: ACMG Guidelines, 2015. Collection method: clinical testing. Allele origin: germline. Inheritance: Autosomal dominant inheritance. Observed: 1 variant allele, 1 heterozygote.
Comment: This variant is located in the TSC2 protein. To our knowledge, functional studies have not been reported for this variant. This variant has not been reported in individuals affected with TSC2-related disorders in the literature. This variant has been identified in 1/249948 chromosomes in the general population by the Genome Aggregation Database (gnomAD). The available evidence is insufficient to determine the role of this variant in disease conclusively. Therefore, this variant is classified as a Variant of Uncertain Significance.

This study involves interpretation of variants in research participants for the purpose of population health screening. Participant phenotype was not available at the time of variant classification. Additional details can be found in publication PMID: 35346344, PMCID: PMC8962531

Ambry Genetics
Classification: Likely benign for Hereditary cancer-predisposing syndrome. Last evaluated: 2022-04-06. Review status: criteria provided, single submitter. Criteria: Ambry Variant Classification Scheme 2023. Collection method: clinical testing. Allele origin: germline.

NM_000548.5(TSC2):c.2394C>T (p.His798=)

Gene: TSC2 (TSC complex subunit 2; plus strand). Cytogenetic location: 16p13.3.
Variant type: single nucleotide variant.
Coding change: c.2394C>T on transcript NM_000548.5 (MANE Select); coding-DNA position 2394, C replaced by T.
Protein change: p.His798=; no amino-acid change (histidine 798 retained).
Molecular consequence: synonymous variant.
Genome position (GRCh38, 1-based): chr16:2,074,238, C>T. VCF-style: chr16-2074238-C-T. GRCh37 (hg19) VCF-style: chr16-2124239-C-T.
Other names: c.2394C>T, p.His798= (NM_001077183.3, NM_001114382.3, NM_001363528.2 and 3 more transcripts); c.2283C>T, p.His761= (NM_001318827.2); c.2247C>T, p.His749= (NM_001318829.2); c.1794C>T, p.His598= (NM_001318831.2); c.2427C>T, p.His809= (NM_001318832.2).
Identifiers: ClinVar variation 779500 (VCV000779500.15), dbSNP rs547019464, ClinGen allele CA038874.